The following is an entry in ClinVar:

NM_000179.3(MSH6):c.1677C>G (p.Cys559Trp)

Gene: MSH6 (mutS homolog 6; plus strand). Cytogenetic location: 2p16.3.
Variant type: single nucleotide variant.
Coding change: c.1677C>G on transcript NM_000179.3 (MANE Select); coding-DNA position 1677, C replaced by G.
Protein change: p.Cys559Trp; replaces cysteine 559 with tryptophan.
Molecular consequence: missense variant.
Genome position (GRCh38, 1-based): chr2:47,799,660, C>G. VCF-style: chr2-47799660-C-G. GRCh37 (hg19) VCF-style: chr2-48026799-C-G.
Other names: c.1677C>G (NM_000179.2); c.1287C>G, p.Cys429Trp (NM_001281492.2); c.771C>G, p.Cys257Trp (NM_001281493.2, NM_001281494.2); short protein forms C257W, C429W, C559W.
Identifiers: ClinVar variation 1060232 (VCV001060232.9), dbSNP rs63749893, ClinGen allele CA346747451.
Genomic context (GRCh38, chr2:47,799,660, plus strand): 5'-TCTTAGCCTCAAAGAAAAAGAGGAAGATTCTTCTGGCCATACTCGTGCATATGGTGTGTG[C>G]TTTGTTGATACTTCACTGGGAAAGTTTTTCATAGGTCAGTTTTCAGATGATCGCCATTGT-3'
Protein context (NP_000170.1, residues 549-569): SSGHTRAYGV[Cys559Trp]FVDTSLGKFF

ClinVar aggregate classification (germline): Uncertain significance. Review status: criteria provided, multiple submitters, no conflicts (2 of 4 stars). 4 submissions from 4 submitters: Uncertain significance (4). Last evaluated 2025-10-03.

Conditions:
Hereditary nonpolyposis colorectal neoplasms. Identifiers: MedGen C0009405, MeSH D003123.
Hereditary cancer-predisposing syndrome. Also called: Neoplastic Syndromes, Hereditary; Hereditary Cancer Syndrome; Hereditary neoplastic syndrome; Tumor predisposition. Identifiers: Orphanet 140162, MedGen C0027672, MeSH D009386, MONDO:0015356.
Endometrial carcinoma. Also called: Endometrial carcinoma, somatic. Identifiers: MedGen C0476089, MONDO:0002447, OMIM 608089, HP:0012114.

Submissions (4):

Color Diagnostics, LLC DBA Color Health
Classification: Uncertain significance for Hereditary cancer-predisposing syndrome. Last evaluated: 2025-10-03. Review status: criteria provided, single submitter. Criteria: ACMG Guidelines, 2015. Collection method: clinical testing. Allele origin: germline.
Comment: This missense variant replaces cysteine with tryptophan at codon 559 of the MSH6 protein. Computational prediction is inconclusive regarding the impact of this variant on protein structure and function. To our knowledge, functional studies have not been reported for this variant. This variant has not been reported in individuals affected with MSH6-related disorders in the literature. This variant has not been identified in the general population by the Genome Aggregation Database (gnomAD). The available evidence is insufficient to determine the role of this variant in disease conclusively. Therefore, this variant is classified as a Variant of Uncertain Significance.

Ambry Genetics
Classification: Uncertain significance for Hereditary cancer-predisposing syndrome. Last evaluated: 2024-02-26. Review status: criteria provided, single submitter. Criteria: Ambry Variant Classification Scheme 2023. Collection method: clinical testing. Allele origin: germline.
Comment: The p.C559W variant (also known as c.1677C>G), located in coding exon 4 of the MSH6 gene, results from a C to G substitution at nucleotide position 1677. The cysteine at codon 559 is replaced by tryptophan, an amino acid with highly dissimilar properties. This amino acid position is conserved. In addition, this alteration is predicted to be deleterious by in silico analysis. Based on the available evidence, the clinical significance of this alteration remains unclear.

Baylor Genetics
Classification: Uncertain significance for Endometrial carcinoma. Last evaluated: 2023-08-04. Review status: criteria provided, single submitter. Criteria: ACMG Guidelines, 2015. Collection method: clinical testing. Allele origin: unknown.

Labcorp Genetics (formerly Invitae), Labcorp
Classification: Uncertain significance for Hereditary nonpolyposis colorectal neoplasms. Last evaluated: 2022-11-19. Review status: criteria provided, single submitter. Criteria: Invitae Variant Classification Sherloc (09022015). Collection method: clinical testing. Allele origin: germline.
Comment: This sequence change replaces cysteine, which is neutral and slightly polar, with tryptophan, which is neutral and slightly polar, at codon 559 of the MSH6 protein (p.Cys559Trp). In summary, the available evidence is currently insufficient to determine the role of this variant in disease. Therefore, it has been classified as a Variant of Uncertain Significance. RNA analysis performed to evaluate the impact of this missense change on mRNA splicing indicates it does not significantly alter splicing (Invitae). Advanced modeling of protein sequence and biophysical properties (such as structural, functional, and spatial information, amino acid conservation, physicochemical variation, residue mobility, and thermodynamic stability) has been performed at Invitae for this missense variant, however the output from this modeling did not meet the statistical confidence thresholds required to predict the impact of this variant on MSH6 protein function. ClinVar contains an entry for this variant (Variation ID: 1060232). This missense change has been observed in individual(s) with clinical features of MSH6-related conditions (PMID: 21520333). This variant is not present in population databases (gnomAD no frequency).

Literature cited by the submitters: PubMed 21520333 (cited by Labcorp Genetics (formerly Invitae), Labcorp).